The following is an entry in ClinVar:

ClinVar aggregate classification (germline): Uncertain significance (1 of 4 stars; one submission).

gnomAD v4.1: 1 of 1,614,158 alleles (0.000062%); highest among the groups gnomAD compares: African/African-American, 0.0013%; no homozygotes.

Submission:

GeneDx
Classification: Uncertain significance. Last evaluated: 2023-06-23. Review status: criteria provided, single submitter. Criteria: GeneDx Variant Classification Process June 2021. Collection method: clinical testing. Allele origin: germline. Affected: yes.
Comment: Not observed at significant frequency in large population cohorts (gnomAD); In silico analysis supports that this missense variant has a deleterious effect on protein structure/function; Has not been previously published as pathogenic or benign to our knowledge

NM_001378743.1(CYLD):c.254A>T (p.Asp85Val)

Gene: CYLD (CYLD lysine 63 deubiquitinase; plus strand). Cytogenetic location: 16q12.1.
Variant type: single nucleotide variant.
Coding change: c.254A>T on transcript NM_001378743.1 (MANE Select); coding-DNA position 254, A replaced by T.
Protein change: p.Asp85Val; replaces aspartic acid 85 with valine.
Molecular consequence: missense variant. On other transcripts: 5 prime UTR variant (2), non-coding transcript variant (1).
Genome position (GRCh38, 1-based): chr16:50,749,952, A>T. VCF-style: chr16-50749952-A-T. GRCh37 (hg19) VCF-style: chr16-50783863-A-T.
Other names: c.254A>T, p.Asp85Val (NM_001042355.2, NM_001042412.3, NM_001378744.1 and 10 more transcripts); c.-409A>T (NM_001378754.1, NM_001378755.1); short protein forms D85V.
Identifiers: ClinVar variation 3360386 (VCV003360386.1).